The following is an entry in ClinVar:

ClinVar aggregate classification (germline): Uncertain significance. Review status: criteria provided, multiple submitters, no conflicts (2 of 4 stars). 4 submissions from 4 submitters: Uncertain significance (4). Last evaluated 2026-06-29.

Conditions:
Left ventricular noncompaction 8 (LVNC8). Identifiers: Orphanet 154, Orphanet 54260, MedGen C3809288, MONDO:0014152, OMIM 615373.
Inborn genetic diseases. Identifiers: MedGen C0950123, MeSH D030342.

Allele frequency attached by ClinVar (database versions not stated): gnomAD exomes below 0.00001; TOPMed 0.00001; ExAC 0.00001.
gnomAD v4.1: 2 of 1,613,982 alleles (0.00012%); highest among the groups gnomAD compares: Admixed American, 0.0017%; no homozygotes.

Submissions (4):

Ambry Genetics
Classification: Uncertain significance for Inborn genetic diseases. Last evaluated: 2026-06-29. Review status: criteria provided, single submitter. Criteria: Ambry Variant Classification Scheme 2023. Collection method: clinical testing. Allele origin: germline.

Labcorp Genetics (formerly Invitae), Labcorp
Classification: Uncertain significance for Left ventricular noncompaction 8. Last evaluated: 2025-07-23. Review status: criteria provided, single submitter. Criteria: Invitae Variant Classification Sherloc (09022015). Collection method: clinical testing. Allele origin: germline.
Comment: This sequence change replaces lysine, which is basic and polar, with arginine, which is basic and polar, at codon 1009 of the PRDM16 protein (p.Lys1009Arg). This variant is present in population databases (rs755243341, gnomAD 0.003%). This variant has not been reported in the literature in individuals affected with PRDM16-related conditions. ClinVar contains an entry for this variant (Variation ID: 1210767). An algorithm developed to predict the effect of missense changes on protein structure and function outputs the following: PolyPhen-2: "Benign". The arginine amino acid residue is found in multiple mammalian species, which suggests that this missense change does not adversely affect protein function. In summary, the available evidence is currently insufficient to determine the role of this variant in disease. Therefore, it has been classified as a Variant of Uncertain Significance.

Blueprint Genetics
Classification: Uncertain significance. Last evaluated: 2024-02-22. Review status: criteria provided, single submitter. Criteria: ACMG Guidelines, 2015. Collection method: clinical testing. Allele origin: germline.

GeneDx
Classification: Uncertain significance. Last evaluated: 2021-01-21. Review status: criteria provided, single submitter. Criteria: GeneDx Variant Classification Process June 2021. Collection method: clinical testing. Allele origin: germline. Affected: yes.
Comment: Has not been previously published as pathogenic or benign to our knowledge; Not observed at a significant frequency in large population cohorts (Lek et al., 2016); In silico analysis supports that this missense variant has a deleterious effect on protein structure/function

NM_022114.4(PRDM16):c.3026A>G (p.Lys1009Arg)

Gene: PRDM16 (PR/SET domain 16; plus strand). Cytogenetic location: 1p36.32.
Variant type: single nucleotide variant.
Coding change: c.3026A>G on transcript NM_022114.4 (MANE Select); coding-DNA position 3026, A replaced by G.
Protein change: p.Lys1009Arg; replaces lysine 1009 with arginine.
Molecular consequence: missense variant.
Genome position (GRCh38, 1-based): chr1:3,425,667, A>G. VCF-style: chr1-3425667-A-G. GRCh37 (hg19) VCF-style: chr1-3342231-A-G.
Other names: c.3026A>G, p.Lys1009Arg (NM_199454.3); short protein forms K1009R.
Identifiers: ClinVar variation 1210767 (VCV001210767.11), dbSNP rs755243341, ClinGen allele CA544688.